The following is an entry in ClinVar:

NM_001368397.1(FRMPD4):c.2022A>G (p.Leu674=)

Gene: FRMPD4 (FERM and PDZ domain containing 4; plus strand). Cytogenetic location: Xp22.2.
Variant type: single nucleotide variant.
Coding change: c.2022A>G on transcript NM_001368397.1 (MANE Select); coding-DNA position 2022, A replaced by G.
Protein change: p.Leu674=; no amino-acid change (leucine 674 retained).
Molecular consequence: synonymous variant.
Genome position (GRCh38, 1-based): chrX:12,716,481, A>G. VCF-style: chrX-12716481-A-G. GRCh37 (hg19) VCF-style: chrX-12734600-A-G.
Other names: c.2133A>G, p.Leu711= (NM_001368395.3, NM_001368398.3); c.2028A>G, p.Leu676= (NM_001368396.3); c.2013A>G, p.Leu671= (NM_001368399.3); c.1902A>G, p.Leu634= (NM_001368400.3); c.1998A>G, p.Leu666= (NM_001368401.1, NM_001368402.3); c.2022A>G, p.Leu674= (NM_014728.3).
Identifiers: ClinVar variation 3384839 (VCV003384839.8).

ClinVar aggregate classification (germline): Likely benign. Review status: criteria provided, multiple submitters, no conflicts (2 of 4 stars). 2 submissions from 2 submitters: Likely benign (2). Last evaluated 2025-04-01.

gnomAD v4.1: 110 of 1,207,944 alleles (0.0091%); highest among the groups gnomAD compares: Non-Finnish European, 0.012%; no homozygotes.

Submissions (2):

CeGaT Center for Human Genetics Tuebingen
Classification: Likely benign. Last evaluated: 2025-04-01. Review status: criteria provided, single submitter. Criteria: CeGaT Center For Human Genetics Tuebingen Variant Classification Criteria Version 2. Collection method: clinical testing. Allele origin: germline. Affected: yes. Observed: 1 variant allele.
Comment: FRMPD4: BP4, BP7, BS2

Women's Health and Genetics/Laboratory Corporation of America, LabCorp
Classification: Likely benign. Last evaluated: 2024-10-08. Review status: criteria provided, single submitter. Criteria: LabCorp Variant Classification Summary - May 2015. Collection method: clinical testing. Allele origin: germline.